The following is an entry in ClinVar:

ClinVar aggregate classification (germline): Uncertain significance (1 of 4 stars; one submission).

gnomAD v4.1: 1 of 1,613,804 alleles (0.000062%); highest among the groups gnomAD compares: Non-Finnish European, 0.000085%; no homozygotes.

Submission:

Labcorp Genetics (formerly Invitae), Labcorp
Classification: Uncertain significance. Last evaluated: 2024-07-04. Review status: criteria provided, single submitter. Criteria: Invitae Variant Classification Sherloc (09022015). Collection method: clinical testing. Allele origin: germline.
Comment: This sequence change replaces alanine, which is neutral and non-polar, with threonine, which is neutral and polar, at codon 1012 of the COL2A1 protein (p.Ala1012Thr). This variant is not present in population databases (gnomAD no frequency). This variant has not been reported in the literature in individuals affected with COL2A1-related conditions. Advanced modeling of protein sequence and biophysical properties (such as structural, functional, and spatial information, amino acid conservation, physicochemical variation, residue mobility, and thermodynamic stability) performed at Invitae indicates that this missense variant is not expected to disrupt COL2A1 protein function with a negative predictive value of 95%. In summary, the available evidence is currently insufficient to determine the role of this variant in disease. Therefore, it has been classified as a Variant of Uncertain Significance.

NM_001844.5(COL2A1):c.3034G>A (p.Ala1012Thr)

Gene: COL2A1 (collagen type II alpha 1 chain; minus strand). Cytogenetic location: 12q13.11.
Variant type: single nucleotide variant.
Coding change: c.3034G>A on transcript NM_001844.5 (MANE Select); coding-DNA position 3034, G replaced by A.
Protein change: p.Ala1012Thr; replaces alanine 1012 with threonine.
Molecular consequence: missense variant.
Genome position (GRCh38, 1-based): chr12:47,978,087, C>T on the plus strand (G>A on the coding strand, the complement: COL2A1 is on the minus strand). VCF-style: chr12-47978087-C-T. GRCh37 (hg19) VCF-style: chr12-48371870-C-T.
Other names: c.2827G>A, p.Ala943Thr (NM_033150.3); short protein forms A943T, A1012T.
Identifiers: ClinVar variation 3658560 (VCV003658560.2).